The following is an entry in ClinVar:

ClinVar aggregate classification (germline): Uncertain significance (1 of 4 stars; one submission).

Submission:

Labcorp Genetics (formerly Invitae), Labcorp
Classification: Uncertain significance. Last evaluated: 2022-06-02. Review status: criteria provided, single submitter. Criteria: Invitae Variant Classification Sherloc (09022015). Collection method: clinical testing. Allele origin: germline.
Comment: This sequence change replaces threonine, which is neutral and polar, with serine, which is neutral and polar, at codon 160 of the COL18A1 protein (p.Thr160Ser). In summary, the available evidence is currently insufficient to determine the role of this variant in disease. Therefore, it has been classified as a Variant of Uncertain Significance. Experimental studies and prediction algorithms are not available or were not evaluated, and the functional significance of this variant is currently unknown. This variant has not been reported in the literature in individuals affected with COL18A1-related conditions. This variant is not present in population databases (gnomAD no frequency). The COL18A1 gene has multiple clinically relevant transcripts. This variant occurs in alternate transcript NM_030582.3, and corresponds to NM_130445:c.107-12233C>G in the primary transcript.

NM_001379500.1(COL18A1):c.107-12233C>G

Gene: COL18A1 (collagen type XVIII alpha 1 chain; plus strand). Cytogenetic location: 21q22.3.
Variant type: single nucleotide variant.
Coding change: c.107-12233C>G on transcript NM_001379500.1 (MANE Select); 12233 bases into the intron before coding-DNA position 107, C replaced by G.
Molecular consequence: intron variant. On other transcripts: missense variant (2).
Genome position (GRCh38, 1-based): chr21:45,456,009, C>G. VCF-style: chr21-45456009-C-G. GRCh37 (hg19) VCF-style: chr21-46875923-C-G.
Other names: c.479C>G, p.Thr160Ser (NM_030582.4, NM_130444.3); short protein forms T160S.
Identifiers: ClinVar variation 1997826 (VCV001997826.2), dbSNP rs1394047766, ClinGen allele CA410506199.
Genomic context (GRCh38, chr21:45,456,009, plus strand): 5'-CGGAAACCCTGGTCCTGGAGACTCCTGTGGGCCCCCTTGCCCTCGCTGGGCCTTCCAGCA[C>G]CCCCCAGGAGAATGGGACCACTCTCTGGCCCAGCCGTGGCATTCCTAGCTCTCCGGGCGC-3'